The following is an entry in ClinVar:

NM_006269.2(RP1):c.3635G>T (p.Cys1212Phe)

Gene: RP1 (RP1 axonemal microtubule associated; plus strand). Cytogenetic location: 8q12.1.
Variant type: single nucleotide variant.
Coding change: c.3635G>T on transcript NM_006269.2 (MANE Select); coding-DNA position 3635, G replaced by T.
Protein change: p.Cys1212Phe; replaces cysteine 1212 with phenylalanine.
Molecular consequence: missense variant. On other transcripts: intron variant (1).
Genome position (GRCh38, 1-based): chr8:54,627,517, G>T. VCF-style: chr8-54627517-G-T. GRCh37 (hg19) VCF-style: chr8-55540077-G-T.
Other names: c.787+5229G>T (NM_001375654.1); short protein forms C1212F.
Identifiers: ClinVar variation 1509296 (VCV001509296.7), dbSNP rs752435173, ClinGen allele CA4751722.

ClinVar aggregate classification (germline): Uncertain significance. Review status: criteria provided, multiple submitters, no conflicts (2 of 4 stars). 2 submissions from 2 submitters: Uncertain significance (2). Last evaluated 2023-08-31.

Allele frequency attached by ClinVar (database versions not stated): TOPMed below 0.00001; gnomAD exomes 0.00001; ExAC 0.00002.
gnomAD v4.1: 10 of 1,614,126 alleles (0.00062%); highest among the groups gnomAD compares: Non-Finnish European, 0.00085%; no homozygotes.

Submissions (2):

Labcorp Genetics (formerly Invitae), Labcorp
Classification: Uncertain significance. Last evaluated: 2023-08-31. Review status: criteria provided, single submitter. Criteria: Invitae Variant Classification Sherloc (09022015). Collection method: clinical testing. Allele origin: germline.
Comment: This sequence change replaces cysteine, which is neutral and slightly polar, with phenylalanine, which is neutral and non-polar, at codon 1212 of the RP1 protein (p.Cys1212Phe). This variant is present in population databases (rs752435173, gnomAD 0.002%). This variant has not been reported in the literature in individuals affected with RP1-related conditions. ClinVar contains an entry for this variant (Variation ID: 1509296). An algorithm developed to predict the effect of missense changes on protein structure and function (PolyPhen-2) suggests that this variant is likely to be tolerated. In summary, the available evidence is currently insufficient to determine the role of this variant in disease. Therefore, it has been classified as a Variant of Uncertain Significance.

Blueprint Genetics
Classification: Uncertain significance. Last evaluated: 2018-12-21. Review status: criteria provided, single submitter. Criteria: ACMG Guidelines, 2015. Collection method: clinical testing. Allele origin: germline.